The following is an entry in ClinVar:

ClinVar aggregate classification (germline): Uncertain significance. Review status: criteria provided, multiple submitters, no conflicts (2 of 4 stars). 2 submissions from 2 submitters: Uncertain significance (2). Last evaluated 2025-01-22.

Conditions:
Dilated Cardiomyopathy, Recessive.

Allele frequency attached by ClinVar (database versions not stated): gnomAD exomes 0.00002 and 0.00007; gnomAD 0.00003 and 0.00004; TOPMed 0.00006.
gnomAD v4.1: 70 of 1,576,152 alleles (0.0044%); highest among the groups gnomAD compares: East Asian, 0.069%; 1 homozygote.

Submissions (2):

Labcorp Genetics (formerly Invitae), Labcorp
Classification: Uncertain significance. Last evaluated: 2025-01-22. Review status: criteria provided, single submitter. Criteria: Invitae Variant Classification Sherloc (09022015). Collection method: clinical testing. Allele origin: germline.
Comment: This sequence change replaces aspartic acid, which is acidic and polar, with asparagine, which is neutral and polar, at codon 134 of the PLEKHM2 protein (p.Asp134Asn). The frequency data for this variant in the population databases is considered unreliable, as metrics indicate poor data quality at this position in the gnomAD database. This variant has not been reported in the literature in individuals affected with PLEKHM2-related conditions. ClinVar contains an entry for this variant (Variation ID: 580923). An algorithm developed to predict the effect of missense changes on protein structure and function (PolyPhen-2) suggests that this variant is likely to be disruptive. In summary, the available evidence is currently insufficient to determine the role of this variant in disease. Therefore, it has been classified as a Variant of Uncertain Significance.

Ambry Genetics
Classification: Uncertain significance. Last evaluated: 2024-05-02. Review status: criteria provided, single submitter. Criteria: Ambry Variant Classification Scheme 2023. Collection method: clinical testing. Allele origin: germline.

NM_015164.4(PLEKHM2):c.400G>A (p.Asp134Asn)

Gene: PLEKHM2 (pleckstrin homology and RUN domain containing M2; plus strand). Cytogenetic location: 1p36.21.
Variant type: single nucleotide variant.
Coding change: c.400G>A on transcript NM_015164.4 (MANE Select); coding-DNA position 400, G replaced by A.
Protein change: p.Asp134Asn; replaces aspartic acid 134 with asparagine.
Molecular consequence: missense variant.
Genome position (GRCh38, 1-based): chr1:15,718,560, G>A. VCF-style: chr1-15718560-G-A. GRCh37 (hg19) VCF-style: chr1-16045055-G-A.
Other names: short protein forms D134N.
Identifiers: ClinVar variation 580923 (VCV000580923.10), dbSNP rs373180239, ClinGen allele CA616684.